The following is an entry in ClinVar:

NM_001130987.2(DYSF):c.3786_3787del (p.Ile1262fs)

Gene: DYSF (dysferlin; plus strand). Cytogenetic location: 2p13.2.
Variant type: Deletion.
Coding change: c.3786_3787del on transcript NM_001130987.2 (MANE Select); coding-DNA positions 3786 to 3787, 2 bases deleted (CT; older notation c.3786_3787delCT).
Protein change: p.Ile1262fs; shifts the reading frame from isoleucine 1262.
Molecular consequence: frameshift variant.
Genome position (GRCh38, 1-based): chr2:71,600,731-71,600,732, CT deleted; deleting any 2 consecutive bases within chr2:71,600,730-71,600,732 gives the same sequence; the c. name uses the placement nearest the transcript's 3' end. VCF-style (leftmost placement, unchanged base first): chr2-71600729-ATC-A. GRCh37 (hg19) VCF-style: chr2-71827859-ATC-A.
Other names: c.3735_3736del, p.Ile1245fs (NM_001130455.2, NM_001130983.2); c.3690_3691del, p.Ile1230fs (NM_001130976.2, NM_001130977.2); c.3732_3733del, p.Ile1244fs (NM_001130978.2, NM_003494.4); c.3825_3826del, p.Ile1275fs (NM_001130979.2); c.3783_3784del, p.Ile1261fs (NM_001130980.2, NM_001130981.2); c.3828_3829del, p.Ile1276fs (NM_001130982.2); c.3693_3694del, p.Ile1231fs (NM_001130984.2, NM_001130986.2); c.3786_3787del, p.Ile1262fs (NM_001130985.2); short protein forms I1230fs, I1244fs, I1261fs, I1262fs, I1276fs, I1231fs, I1245fs, I1275fs.
Identifiers: ClinVar variation 596079 (VCV000596079.8), dbSNP rs1558583697, ClinGen allele CA913189539.

ClinVar aggregate classification (germline): Pathogenic. Review status: criteria provided, multiple submitters, no conflicts (2 of 4 stars). 2 submissions from 2 submitters: Pathogenic (2). Last evaluated 2023-05-04.

Conditions:
Neuromuscular disease caused by qualitative or quantitative defects of dysferlin. Also called: Qualitative or quantitative defects of dysferlin; Dysferlinopathy. Identifiers: Orphanet 207073, MedGen C2931687, MONDO:0016145.

Submissions (2):

Labcorp Genetics (formerly Invitae), Labcorp
Classification: Pathogenic for Neuromuscular disease caused by qualitative or quantitative defects of dysferlin. Last evaluated: 2023-05-04. Review status: criteria provided, single submitter. Criteria: Invitae Variant Classification Sherloc (09022015). Collection method: clinical testing. Allele origin: germline.
Comment: ClinVar contains an entry for this variant (Variation ID: 596079). For these reasons, this variant has been classified as Pathogenic. This variant has not been reported in the literature in individuals affected with DYSF-related conditions. This variant is not present in population databases (gnomAD no frequency). This sequence change creates a premature translational stop signal (p.Ile1244Metfs*31) in the DYSF gene. It is expected to result in an absent or disrupted protein product. Loss-of-function variants in DYSF are known to be pathogenic (PMID: 17698709, 20301480).

Eurofins Ntd Llc (ga)
Classification: Pathogenic. Last evaluated: 2018-02-13. Review status: criteria provided, single submitter. Criteria: EGL ClinVar v180209 classification definitions. Collection method: clinical testing. Allele origin: germline. Observed: 1 variant allele, 1 heterozygote.

Literature cited by the submitters: PubMed 17698709 (cited by Labcorp Genetics (formerly Invitae), Labcorp); PubMed 20301480 (cited by Labcorp Genetics (formerly Invitae), Labcorp).